The following is an entry in ClinVar:

NM_006767.4(LZTR1):c.510-4C>G

Gene: LZTR1 (leucine zipper like post translational regulator 1; plus strand). Cytogenetic location: 22q11.21.
Variant type: single nucleotide variant.
Coding change: c.510-4C>G on transcript NM_006767.4 (MANE Select); 4 bases into the intron before coding-DNA position 510, C replaced by G.
Molecular consequence: intron variant.
Genome position (GRCh38, 1-based): chr22:20,988,785, C>G. VCF-style: chr22-20988785-C-G. GRCh37 (hg19) VCF-style: chr22-21343074-C-G.
Identifiers: ClinVar variation 513306 (VCV000513306.4), dbSNP rs1413440011, ClinGen allele CA658799494.
Genomic context (GRCh38, chr22:20,988,785, plus strand): 5'-GGGCTGGGTGGCTCAGGTCTGTGCTGGGCGGCCTCACTCCCTCCCCTCTTCCCTCACACT[C>G]CAGGTTGCCAGTCGCTAGGTCAGCCCATGGGGCCACGGTGTACAGTGACAAGCTGTGGAT-3'

ClinVar aggregate classification (germline): Likely benign. Review status: criteria provided, multiple submitters, no conflicts (2 of 4 stars). 2 submissions from 2 submitters: Likely benign (2). Last evaluated 2024-12-16.

Conditions:
Hereditary cancer-predisposing syndrome. Also called: Hereditary Cancer Syndrome; Neoplastic Syndromes, Hereditary; Tumor predisposition; Hereditary neoplastic syndrome. Identifiers: Orphanet 140162, MedGen C0027672, MeSH D009386, MONDO:0015356.
Cardiovascular phenotype. Identifiers: MedGen CN230736.

Submissions (2):

Ambry Genetics
Classification: Likely benign for Cardiovascular phenotype; Hereditary cancer-predisposing syndrome. Last evaluated: 2024-12-16. Review status: criteria provided, single submitter. Criteria: Ambry Variant Classification Scheme 2023. Collection method: clinical testing. Allele origin: germline.

GeneDx
Classification: Likely benign. Last evaluated: 2017-11-13. Review status: criteria provided, single submitter. Criteria: GeneDx Variant Classification (06012015). Collection method: clinical testing. Allele origin: germline. Affected: yes.
Comment: This variant is considered likely benign or benign based on one or more of the following criteria: it is a conservative change, it occurs at a poorly conserved position in the protein, it is predicted to be benign by multiple in silico algorithms, and/or has population frequency not consistent with disease.